The following is an entry in ClinVar:

NM_015374.3(SUN2):c.233C>T (p.Ser78Phe)

Gene: SUN2 (Sad1 and UNC84 domain containing 2; minus strand). Cytogenetic location: 22q13.1.
Variant type: single nucleotide variant.
Coding change: c.233C>T on transcript NM_015374.3 (MANE Select); coding-DNA position 233, C replaced by T.
Protein change: p.Ser78Phe; replaces serine 78 with phenylalanine.
Molecular consequence: missense variant. On other transcripts: intron variant (1).
Genome position (GRCh38, 1-based): chr22:38,751,263, G>A on the plus strand (C>T on the coding strand, the complement: SUN2 is on the minus strand). VCF-style: chr22-38751263-G-A. GRCh37 (hg19) VCF-style: chr22-39147268-G-A.
Other names: c.233C>T, p.Ser78Phe (NM_001199579.2, NM_001199580.2, NM_001394427.1 and 16 more transcripts); c.143C>T, p.Ser48Phe (NM_001394438.1); c.122+1244C>T (NM_001394443.1); short protein forms S78F, S48F.
Identifiers: ClinVar variation 3172121 (VCV003172121.3), dbSNP rs748088497, ClinGen allele CA10236052.

ClinVar aggregate classification (germline): Uncertain significance. Review status: criteria provided, multiple submitters, no conflicts (2 of 4 stars). 2 submissions from 2 submitters: Uncertain significance (2). Last evaluated 2024-07-31.

Conditions:
Emery-Dreifuss muscular dystrophy (EDMD). Also called: Scapuloperoneal syndrome, X-linked (formerly); Humeroperoneal neuromuscular disease, (formerly). Identifiers: Orphanet 261, MedGen C0410189, MONDO:0016830.

Allele frequency attached by ClinVar (database versions not stated): ExAC 0.00001; gnomAD 0.00001; gnomAD exomes 0.00001; TOPMed 0.00001.
gnomAD v4.1: 22 of 1,614,006 alleles (0.0014%); highest among the groups gnomAD compares: Non-Finnish European, 0.0019%; no homozygotes.

Submissions (2):

Labcorp Genetics (formerly Invitae), Labcorp
Classification: Uncertain significance for Emery-Dreifuss muscular dystrophy. Last evaluated: 2024-07-31. Review status: criteria provided, single submitter. Criteria: Invitae Variant Classification Sherloc (09022015). Collection method: clinical testing. Allele origin: germline.
Comment: This sequence change replaces serine, which is neutral and polar, with phenylalanine, which is neutral and non-polar, at codon 78 of the SUN2 protein (p.Ser78Phe). This variant is present in population databases (rs748088497, gnomAD 0.003%). This variant has not been reported in the literature in individuals affected with SUN2-related conditions. An algorithm developed to predict the effect of missense changes on protein structure and function (PolyPhen-2) suggests that this variant is likely to be disruptive. In summary, the available evidence is currently insufficient to determine the role of this variant in disease. Therefore, it has been classified as a Variant of Uncertain Significance.

Ambry Genetics
Classification: Uncertain significance. Last evaluated: 2023-10-17. Review status: criteria provided, single submitter. Criteria: Ambry Variant Classification Scheme 2023. Collection method: clinical testing. Allele origin: germline.